The following is an entry in ClinVar:

NM_001347995.2(ENTREP1):c.819+10T>C

Gene: ENTREP1 (endosomal transmembrane epsin interactor 1; plus strand). Cytogenetic location: 9q21.12.
Variant type: single nucleotide variant.
Coding change: c.819+10T>C on transcript NM_001347995.2 (MANE Select); 10 bases into the intron after coding-DNA position 819, T replaced by C.
Molecular consequence: intron variant.
Genome position (GRCh38, 1-based): chr9:69,377,487, T>C. VCF-style: chr9-69377487-T-C. GRCh37 (hg19) VCF-style: chr9-71992403-T-C.
Other names: c.360+10T>C (NM_001127608.3, NM_004816.5).
Identifiers: ClinVar variation 508607 (VCV000508607.2), dbSNP rs17064047, ClinGen allele CA5074230.

ClinVar aggregate classification (germline): Benign (1 of 4 stars; one submission).

Allele frequency attached by ClinVar (database versions not stated): gnomAD exomes 0.00386 and 0.01031; ExAC 0.01283; gnomAD 0.04081 and 0.04412; 1000 Genomes Project 0.04213; 1000 Genomes Project 30x 0.04497; TOPMed 0.04692; ESP Exome Variant Server 0.04821.
gnomAD v4.1: 12,105 of 1,611,494 alleles (0.75%); highest among the groups gnomAD compares: African/African-American, 14%; 733 homozygotes.

Submission:

GeneDx
Classification: Benign. Last evaluated: 2018-01-08. Review status: criteria provided, single submitter. Criteria: GeneDx Variant Classification (06012015). Collection method: clinical testing. Allele origin: germline. Affected: yes.
Comment: This variant is considered likely benign or benign based on one or more of the following criteria: it is a conservative change, it occurs at a poorly conserved position in the protein, it is predicted to be benign by multiple in silico algorithms, and/or has population frequency not consistent with disease.